The following is an entry in ClinVar:

ClinVar aggregate classification (germline): Uncertain significance (1 of 4 stars; one submission).

Submission:

Labcorp Genetics (formerly Invitae), Labcorp
Classification: Uncertain significance. Last evaluated: 2024-11-11. Review status: criteria provided, single submitter. Criteria: Invitae Variant Classification Sherloc (09022015). Collection method: clinical testing. Allele origin: germline.
Comment: This sequence change replaces glutamine, which is neutral and polar, with lysine, which is basic and polar, at codon 2453 of the MTOR protein (p.Gln2453Lys). This variant is not present in population databases (gnomAD no frequency). This variant has not been reported in the literature in individuals affected with MTOR-related conditions. ClinVar contains an entry for this variant (Variation ID: 1496367). Invitae Evidence Modeling of protein sequence and biophysical properties (such as structural, functional, and spatial information, amino acid conservation, physicochemical variation, residue mobility, and thermodynamic stability) has been performed for this missense variant. However, the output from this modeling did not meet the statistical confidence thresholds required to predict the impact of this variant on MTOR protein function. In summary, the available evidence is currently insufficient to determine the role of this variant in disease. Therefore, it has been classified as a Variant of Uncertain Significance.

NM_004958.4(MTOR):c.7357C>A (p.Gln2453Lys)

Gene: MTOR (mechanistic target of rapamycin kinase; minus strand). Cytogenetic location: 1p36.22.
Variant type: single nucleotide variant.
Coding change: c.7357C>A on transcript NM_004958.4 (MANE Select); coding-DNA position 7357, C replaced by A.
Protein change: p.Gln2453Lys; replaces glutamine 2453 with lysine.
Molecular consequence: missense variant.
Genome position (GRCh38, 1-based): chr1:11,112,861, G>T on the plus strand (C>A on the coding strand, the complement: MTOR is on the minus strand). VCF-style: chr1-11112861-G-T. GRCh37 (hg19) VCF-style: chr1-11172918-G-T.
Other names: c.7357C>A, p.Gln2453Lys (NM_001386500.1); c.6109C>A, p.Gln2037Lys (NM_001386501.1); short protein forms Q2453K, Q2037K.
Identifiers: ClinVar variation 1496367 (VCV001496367.8), dbSNP rs2100304710, ClinGen allele CA338380383.